The following is an entry in ClinVar:

NM_005012.4(ROR1):c.1253T>C (p.Ile418Thr)

Gene: ROR1 (receptor tyrosine kinase like orphan receptor 1; plus strand). Cytogenetic location: 1p31.3.
Variant type: single nucleotide variant.
Coding change: c.1253T>C on transcript NM_005012.4 (MANE Select); coding-DNA position 1253, T replaced by C.
Protein change: p.Ile418Thr; replaces isoleucine 418 with threonine.
Molecular consequence: missense variant.
Genome position (GRCh38, 1-based): chr1:64,159,059, T>C. VCF-style: chr1-64159059-T-C. GRCh37 (hg19) VCF-style: chr1-64624742-T-C.
Other names: c.1253T>C (NM_005012.2); short protein forms I418T.
Identifiers: ClinVar variation 1990114 (VCV001990114.5), dbSNP rs754278490, ClinGen allele CA890239.

ClinVar aggregate classification (germline): Uncertain significance. Review status: criteria provided, multiple submitters, no conflicts (2 of 4 stars). 2 submissions from 2 submitters: Uncertain significance (2). Last evaluated 2024-12-31.

Allele frequency attached by ClinVar (database versions not stated): ExAC 0.00001; gnomAD 0.00001; gnomAD exomes 0.00001; TOPMed 0.00002.
gnomAD v4.1: 11 of 1,614,036 alleles (0.00068%); highest among the groups gnomAD compares: Admixed American, 0.017%; no homozygotes.

Submissions (2):

Ambry Genetics
Classification: Uncertain significance. Last evaluated: 2024-12-31. Review status: criteria provided, single submitter. Criteria: Ambry Variant Classification Scheme 2023. Collection method: clinical testing. Allele origin: germline.

Labcorp Genetics (formerly Invitae), Labcorp
Classification: Uncertain significance. Last evaluated: 2022-01-21. Review status: criteria provided, single submitter. Criteria: Invitae Variant Classification Sherloc (09022015). Collection method: clinical testing. Allele origin: germline.
Comment: In summary, the available evidence is currently insufficient to determine the role of this variant in disease. Therefore, it has been classified as a Variant of Uncertain Significance. Algorithms developed to predict the effect of missense changes on protein structure and function are either unavailable or do not agree on the potential impact of this missense change (SIFT: "Deleterious"; PolyPhen-2: "Benign"; Align-GVGD: "Class C65"). This variant has not been reported in the literature in individuals affected with ROR1-related conditions. This variant is present in population databases (rs754278490, gnomAD 0.02%). This sequence change replaces isoleucine, which is neutral and non-polar, with threonine, which is neutral and polar, at codon 418 of the ROR1 protein (p.Ile418Thr).